The following is an entry in ClinVar:

NM_000180.4(GUCY2D):c.271G>C (p.Ala91Pro)

Gene: GUCY2D (guanylate cyclase 2D, retinal; plus strand). Cytogenetic location: 17p13.1.
Variant type: single nucleotide variant.
Coding change: c.271G>C on transcript NM_000180.4 (MANE Select); coding-DNA position 271, G replaced by C.
Protein change: p.Ala91Pro; replaces alanine 91 with proline.
Molecular consequence: missense variant.
Genome position (GRCh38, 1-based): chr17:8,003,318, G>C. VCF-style: chr17-8003318-G-C. GRCh37 (hg19) VCF-style: chr17-7906636-G-C.
Other names: NM_000180.4(GUCY2D):c.271G>C; p.Ala91Pro; c.271G>C (NM_000180.3); short protein forms A91P.
Identifiers: ClinVar variation 195029 (VCV000195029.55), dbSNP rs573367793, ClinGen allele CA241298.

ClinVar aggregate classification (germline): Benign. Review status: reviewed by expert panel (3 of 4 stars). 6 submissions from 6 submitters: Benign (1). 5 of the submissions do not count toward it. Last evaluated 2025-01-30.

Conditions:
GUCY2D-related recessive retinopathy. Also called: Recessive GUCY2D retinopathy. Identifiers: MedGen CN305603, MONDO:0100453.
GUCY2D-related disorder. Also called: GUCY2D-related condition.
Cone-rod dystrophy 6 (CORD6). Also called: Cone dystrophy progressive; RETINAL CONE DYSTROPHY 2. Identifiers: Orphanet 1872, MedGen C1866293, MONDO:0011143, OMIM 601777.
Leber congenital amaurosis 1 (LCA1). Also called: Congenital absence of the rods and cones; Leber's congenital tapetoretinal degeneration; Leber's congenital tapetoretinal dysplasia; RETINAL BLINDNESS, CONGENITAL; AMAUROSIS CONGENITA OF LEBER I. Identifiers: Orphanet 65, MedGen C2931258, MONDO:0008764, OMIM 204000.

Allele frequency attached by ClinVar (database versions not stated): gnomAD 0.00005 and 0.00025; TOPMed 0.00009; 1000 Genomes Project 0.00100; 1000 Genomes Project 30x 0.00141; ExAC 0.00593.
gnomAD v4.1: 773 of 1,483,538 alleles (0.052%); highest among the groups gnomAD compares: South Asian, 0.74%; 6 homozygotes.

Submissions (6):

ClinGen Leber Congenital Amaurosis/early Onset Retinal Dystrophy Variant Curation Expert Panel, ClinGen
Classification: Benign for GUCY2D-related recessive retinopathy. Last evaluated: 2025-01-30. Review status: reviewed by expert panel. Criteria: ClinGen LCAeoRD ACMG Specifications GUCY2D V1.0.0. Collection method: curation. Allele origin: germline. Inheritance: Autosomal recessive inheritance.
Comment: The NM_000180.4(GUCY2D):c.271G>C (p.Ala91Pro) variant is predicted to substitute the alanine at position p.91 with proline. This variant is present in gnomAD v.4.1.0 at a Grpmax allele frequency of 0.006915, with 581/78368 total alleles in the South Asian population, which is within the ClinGen LCA/eoRD VCEP BS1 range of 0.0016 - 0.016 (BS1). This variant has also been found in the homozygous state in 6 adult individuals in gnomAD which meets the LCA/eoRD VCEP threshold of ≥6 (gnomAD version 4.1.0; BS2) The computational predictor REVEL gives a score of 0.219, which is below the ClinGen LCA/eoRD VCEP threshold of <0.290 and predicts a non-damaging effect on RetGC-1 protein function. In addition, the splicing impact predictor SpliceAI gives a delta score of 0.01, which is below the ClinGen LCA/eoRD VCEP recommended threshold of <0.1 and does not predict an impact on splicing (BP4). In summary, this variant meets the criteria to be classified as Benign for GUCY2D-related recessive retinopathy based on the ACMG/AMP criteria applied, as specified by the ClinGen LCA/eoRD VCEP: BS1, BS2, BP4. (VCEP specifications version 1.0.0; date of approval 01/22/2025).

Labcorp Genetics (formerly Invitae), Labcorp
Classification: Benign for Leber congenital amaurosis 1; Cone-rod dystrophy 6. Last evaluated: 2026-01-26. Review status: criteria provided, single submitter. Criteria: Invitae Variant Classification Sherloc (09022015). Collection method: clinical testing. Allele origin: germline. Not counted in ClinVar's aggregate classification.

Blueprint Genetics
Classification: Likely benign. Last evaluated: 2024-11-25. Review status: criteria provided, single submitter. Criteria: ACMG Guidelines, 2015. Collection method: clinical testing. Allele origin: germline. Not counted in ClinVar's aggregate classification.

CeGaT Center for Human Genetics Tuebingen
Classification: Likely benign. Last evaluated: 2018-12-01. Review status: criteria provided, single submitter. Criteria: CeGaT Center For Human Genetics Tuebingen Variant Classification Criteria Version 2. Collection method: clinical testing. Allele origin: germline. Affected: yes. Observed: 1 variant allele. Not counted in ClinVar's aggregate classification.

Eurofins Ntd Llc (ga)
Classification: Uncertain significance. Last evaluated: 2014-08-11. Review status: criteria provided, single submitter. Criteria: EGL Classification Definitions 2015. Collection method: clinical testing. Allele origin: germline. Observed: 1 variant allele, 1 heterozygote. Not counted in ClinVar's aggregate classification.

PreventionGenetics, part of Exact Sciences
Classification: Likely benign for GUCY2D-related condition. Last evaluated: 2019-05-22. Review status: no assertion criteria provided. Collection method: clinical testing. Allele origin: germline. Not counted in ClinVar's aggregate classification.
Comment: This variant is classified as likely benign based on ACMG/AMP sequence variant interpretation guidelines (Richards et al. 2015 PMID: 25741868, with internal and published modifications).